The following is an entry in ClinVar:

NM_001378609.3(OTOGL):c.4353G>A (p.Trp1451Ter)

Gene: OTOGL (otogelin like; plus strand). Cytogenetic location: 12q21.31.
Variant type: single nucleotide variant.
Coding change: c.4353G>A on transcript NM_001378609.3 (MANE Select); coding-DNA position 4353, G replaced by A.
Protein change: p.Trp1451Ter; replaces tryptophan 1451 with a stop codon.
Molecular consequence: nonsense.
Genome position (GRCh38, 1-based): chr12:80,333,009, G>A. VCF-style: chr12-80333009-G-A. GRCh37 (hg19) VCF-style: chr12-80726789-G-A.
Other names: c.4218G>A, p.Trp1406Ter (NM_001368062.3); c.4353G>A, p.Trp1451Ter (NM_001378610.3, NM_173591.7); short protein forms W1451*, W1406*.
Identifiers: ClinVar variation 1451847 (VCV001451847.6), dbSNP rs767226781, ClinGen allele CA6701364.

ClinVar aggregate classification (germline): Pathogenic (1 of 4 stars; one submission).

Allele frequency attached by ClinVar (database versions not stated): gnomAD exomes 0.00002 and 0.00003; ExAC 0.00007; gnomAD 0.00003; TOPMed 0.00004.
gnomAD v4.1: 50 of 1,591,628 alleles (0.0031%); highest among the groups gnomAD compares: Non-Finnish European, 0.004%; no homozygotes.

Submission:

Labcorp Genetics (formerly Invitae), Labcorp
Classification: Pathogenic. Last evaluated: 2025-01-27. Review status: criteria provided, single submitter. Criteria: Invitae Variant Classification Sherloc (09022015). Collection method: clinical testing. Allele origin: germline.
Comment: This sequence change creates a premature translational stop signal (p.Trp1442*) in the OTOGL gene. It is expected to result in an absent or disrupted protein product. Loss-of-function variants in OTOGL are known to be pathogenic (PMID: 23122586). This variant is present in population databases (rs767226781, gnomAD 0.004%). This variant has not been reported in the literature in individuals affected with OTOGL-related conditions. ClinVar contains an entry for this variant (Variation ID: 1451847). Algorithms developed to predict the effect of sequence changes on RNA splicing suggest that this variant may disrupt the consensus splice site. For these reasons, this variant has been classified as Pathogenic.

Literature cited by the submitters: PubMed 23122586.